The following is an entry in ClinVar:

ClinVar aggregate classification (germline): Uncertain significance (1 of 4 stars; one submission).

Conditions:
Familial cancer of breast. Also called: Hereditary breast cancer; BREAST CANCER, FAMILIAL; hereditary breast carcinoma. Identifiers: Orphanet 227535, MedGen C0346153, MONDO:0016419, OMIM 114480. Disease mechanism: loss of function.

Submission:

Labcorp Genetics (formerly Invitae), Labcorp
Classification: Uncertain significance for Familial cancer of breast. Last evaluated: 2024-04-13. Review status: criteria provided, single submitter. Criteria: Invitae Variant Classification Sherloc (09022015). Collection method: clinical testing. Allele origin: germline.
Comment: This sequence change replaces threonine, which is neutral and polar, with serine, which is neutral and polar, at codon 489 of the BARD1 protein (p.Thr489Ser). This variant is not present in population databases (gnomAD no frequency). This variant has not been reported in the literature in individuals affected with BARD1-related conditions. Algorithms developed to predict the effect of missense changes on protein structure and function output the following: SIFT: "Not Available"; PolyPhen-2: "Benign"; Align-GVGD: "Not Available". The serine amino acid residue is found in multiple mammalian species, which suggests that this missense change does not adversely affect protein function. In summary, the available evidence is currently insufficient to determine the role of this variant in disease. Therefore, it has been classified as a Variant of Uncertain Significance.

NM_000465.4(BARD1):c.1465A>T (p.Thr489Ser)

Gene: BARD1 (BRCA1 associated RING domain 1; minus strand). Cytogenetic location: 2q35.
Variant type: single nucleotide variant.
Coding change: c.1465A>T on transcript NM_000465.4 (MANE Select); coding-DNA position 1465, A replaced by T.
Protein change: p.Thr489Ser; replaces threonine 489 with serine.
Molecular consequence: missense variant. On other transcripts: non-coding transcript variant (3), intron variant (3).
Genome position (GRCh38, 1-based): chr2:214,767,585, T>A on the plus strand (A>T on the coding strand, the complement: BARD1 is on the minus strand). VCF-style: chr2-214767585-T-A. GRCh37 (hg19) VCF-style: chr2-215632309-T-A.
Other names: c.1408A>T, p.Thr470Ser (NM_001282543.2); c.159-15030A>T (NM_001282548.2); c.216-15030A>T (NM_001282545.2); c.364+24712A>T (NM_001282549.2); short protein forms T470S, T489S.
Identifiers: ClinVar variation 2705187 (VCV002705187.3), dbSNP rs1559409974, ClinGen allele CA350448486.